The following is an entry in ClinVar:

ClinVar aggregate classification (germline): Uncertain significance (1 of 4 stars; one submission).

Allele frequency attached by ClinVar (database versions not stated): gnomAD exomes 0.00001 and 0.00003; ExAC 0.00004; ESP Exome Variant Server 0.00008; gnomAD 0.00015 and 0.00016; TOPMed 0.00017.

Submission:

Labcorp Genetics (formerly Invitae), Labcorp
Classification: Uncertain significance. Last evaluated: 2023-11-27. Review status: criteria provided, single submitter. Criteria: Invitae Variant Classification Sherloc (09022015). Collection method: clinical testing. Allele origin: germline.
Comment: This sequence change replaces proline, which is neutral and non-polar, with alanine, which is neutral and non-polar, at codon 1018 of the PCARE protein (p.Pro1018Ala). This variant is present in population databases (rs374012683, gnomAD 0.03%). This variant has not been reported in the literature in individuals affected with PCARE-related conditions. ClinVar contains an entry for this variant (Variation ID: 862612). An algorithm developed to predict the effect of missense changes on protein structure and function (PolyPhen-2) suggests that this variant¬†is likely to be tolerated. In summary, the available evidence is currently insufficient to determine the role of this variant in disease. Therefore, it has been classified as a Variant of Uncertain Significance.

NM_001029883.3(PCARE):c.3052C>G (p.Pro1018Ala)

Gene: PCARE (photoreceptor cilium actin regulator; minus strand). Cytogenetic location: 2p23.2.
Variant type: single nucleotide variant.
Coding change: c.3052C>G on transcript NM_001029883.3 (MANE Select); coding-DNA position 3052, C replaced by G.
Protein change: p.Pro1018Ala; replaces proline 1018 with alanine.
Molecular consequence: missense variant.
Genome position (GRCh38, 1-based): chr2:29,071,210, G>C on the plus strand (C>G on the coding strand, the complement: PCARE is on the minus strand). VCF-style: chr2-29071210-G-C. GRCh37 (hg19) VCF-style: chr2-29294076-G-C.
Other names: short protein forms P1018A.
Identifiers: ClinVar variation 862612 (VCV000862612.5), dbSNP rs374012683, ClinGen allele CA1592040.